The following is an entry in ClinVar:

ClinVar aggregate classification (germline): Pathogenic. Review status: criteria provided, multiple submitters, no conflicts (2 of 4 stars). 2 submissions from 2 submitters: Pathogenic (2). Last evaluated 2023-08-25.

Conditions:
Lynch syndrome 5 (LYNCH5). Also called: Colorectal cancer, hereditary nonpolyposis, type 5; Hereditary non-polyposis colorectal cancer, type 5. Identifiers: Orphanet 144, MedGen C1833477, MONDO:0013710, OMIM 614350. Disease mechanism: loss of function.
Hereditary nonpolyposis colorectal neoplasms. Identifiers: MedGen C0009405, MeSH D003123.

Submissions (2):

Myriad Genetics, Inc.
Classification: Pathogenic for Lynch syndrome 5. Last evaluated: 2023-08-25. Review status: criteria provided, single submitter. Criteria: Myriad Autosomal Dominant, Autosomal Recessive and X-Linked Classification Criteria (2023). Collection method: clinical testing. Allele origin: unknown.
Comment: This variant is considered pathogenic. This variant creates a frameshift predicted to result in premature protein truncation.

Labcorp Genetics (formerly Invitae), Labcorp
Classification: Pathogenic for Hereditary nonpolyposis colorectal neoplasms. Last evaluated: 2021-07-01. Review status: criteria provided, single submitter. Criteria: Invitae Variant Classification Sherloc (09022015). Collection method: clinical testing. Allele origin: germline.
Comment: This sequence change creates a premature translational stop signal (p.Leu1286Ilefs*40) in the MSH6 gene. While this is not anticipated to result in nonsense mediated decay, it is expected to disrupt the last 75 amino acid(s) of the MSH6 protein. This variant is not present in population databases (ExAC no frequency). This variant has not been reported in the literature in individuals affected with MSH6-related conditions. This variant disrupts a region of the MSH6 protein in which other variant(s) (p.Ala1320Serfs*5) have been determined to be pathogenic (PMID: 18809606, 19459153, 25186627, 25980754, 26552419, 26681312, 26845104, 27456091). This suggests that this is a clinically significant region of the protein, and that variants that disrupt it are likely to be disease-causing. For these reasons, this variant has been classified as Pathogenic.

Literature cited by the submitters: PubMed 18809606 (cited by Labcorp Genetics (formerly Invitae), Labcorp); PubMed 19459153 (cited by Labcorp Genetics (formerly Invitae), Labcorp); PubMed 25186627 (cited by Labcorp Genetics (formerly Invitae), Labcorp); PubMed 25980754 (cited by Labcorp Genetics (formerly Invitae), Labcorp); PubMed 26552419 (cited by Labcorp Genetics (formerly Invitae), Labcorp); PubMed 26681312 (cited by Labcorp Genetics (formerly Invitae), Labcorp); PubMed 26845104 (cited by Labcorp Genetics (formerly Invitae), Labcorp); PubMed 27456091 (cited by Labcorp Genetics (formerly Invitae), Labcorp).

NM_000179.3(MSH6):c.3856_3859del (p.Leu1286fs)

Gene: MSH6 (mutS homolog 6; plus strand). Cytogenetic location: 2p16.3.
Variant type: Deletion.
Coding change: c.3856_3859del on transcript NM_000179.3 (MANE Select); coding-DNA positions 3856 to 3859, 4 bases deleted (CTCT; older notation c.3856_3859delCTCT).
Protein change: p.Leu1286fs; shifts the reading frame from leucine 1286.
Molecular consequence: frameshift variant.
Genome position (GRCh38, 1-based): chr2:47,806,506-47,806,509, CTCT deleted. VCF-style (leftmost placement, unchanged base first): chr2-47806505-CCTCT-C. GRCh37 (hg19) VCF-style: chr2-48033644-CCTCT-C.
Other names: c.3466_3469del, p.Leu1156fs (NM_001281492.2); c.2950_2953del, p.Leu984fs (NM_001281493.2, NM_001281494.2); short protein forms L984fs, L1156fs, L1286fs.
Identifiers: ClinVar variation 1458240 (VCV001458240.7), dbSNP rs2104555974, ClinGen allele CA2573134788.